The following is an entry in ClinVar:

NM_005732.4(RAD50):c.2881A>G (p.Ile961Val)

Gene: RAD50 (RAD50 double strand break repair protein; plus strand). Cytogenetic location: 5q31.1.
Variant type: single nucleotide variant.
Coding change: c.2881A>G on transcript NM_005732.4 (MANE Select); coding-DNA position 2881, A replaced by G.
Protein change: p.Ile961Val; replaces isoleucine 961 with valine.
Molecular consequence: missense variant.
Genome position (GRCh38, 1-based): chr5:132,609,168, A>G. VCF-style: chr5-132609168-A-G. GRCh37 (hg19) VCF-style: chr5-131944860-A-G.
Other names: short protein forms I961V.
Identifiers: ClinVar variation 1055611 (VCV001055611.11), dbSNP rs2149849705, ClinGen allele CA360959741.

ClinVar aggregate classification (germline): Uncertain significance. Review status: criteria provided, multiple submitters, no conflicts (2 of 4 stars). 2 submissions from 2 submitters: Uncertain significance (2). Last evaluated 2023-11-11.

Conditions:
Hereditary cancer-predisposing syndrome. Also called: Hereditary Cancer Syndrome; Tumor predisposition; Hereditary neoplastic syndrome; Neoplastic Syndromes, Hereditary. Identifiers: Orphanet 140162, MedGen C0027672, MeSH D009386, MONDO:0015356.

Submissions (2):

Labcorp Genetics (formerly Invitae), Labcorp
Classification: Uncertain significance for Hereditary cancer-predisposing syndrome. Last evaluated: 2023-11-11. Review status: criteria provided, single submitter. Criteria: Invitae Variant Classification Sherloc (09022015). Collection method: clinical testing. Allele origin: germline.
Comment: This sequence change replaces isoleucine, which is neutral and non-polar, with valine, which is neutral and non-polar, at codon 961 of the RAD50 protein (p.Ile961Val). This variant is not present in population databases (gnomAD no frequency). This variant has not been reported in the literature in individuals affected with RAD50-related conditions. ClinVar contains an entry for this variant (Variation ID: 1055611). Advanced modeling of protein sequence and biophysical properties (such as structural, functional, and spatial information, amino acid conservation, physicochemical variation, residue mobility, and thermodynamic stability) performed at Invitae indicates that this missense variant is not expected to disrupt RAD50 protein function with a negative predictive value of 80%. In summary, the available evidence is currently insufficient to determine the role of this variant in disease. Therefore, it has been classified as a Variant of Uncertain Significance.

Ambry Genetics
Classification: Uncertain significance for Hereditary cancer-predisposing syndrome. Last evaluated: 2021-08-21. Review status: criteria provided, single submitter. Criteria: Ambry Variant Classification Scheme 2023. Collection method: clinical testing. Allele origin: germline.
Comment: The p.I961V variant (also known as c.2881A>G), located in coding exon 18 of the RAD50 gene, results from an A to G substitution at nucleotide position 2881. The isoleucine at codon 961 is replaced by valine, an amino acid with highly similar properties. This amino acid position is conserved. In addition, this alteration is predicted to be tolerated by in silico analysis. Since supporting evidence is limited at this time, the clinical significance of this alteration remains unclear.